The following is an entry in ClinVar:

ClinVar aggregate classification (germline): Uncertain significance (1 of 4 stars; one submission).

Conditions:
Multiple congenital exostosis (EXT). Also called: MULTIPLE CARTILAGINOUS EXOSTOSES; Hereditary multiple osteochondromas; Hereditary multiple exostoses; Hereditary multiple exostosis; Multiple exostoses; Multiple osteochondromas. Identifiers: Orphanet 321, MedGen C0015306, MONDO:0005508, HP:0002762.

Submission:

Labcorp Genetics (formerly Invitae), Labcorp
Classification: Uncertain significance for Multiple congenital exostosis. Last evaluated: 2025-04-09. Review status: criteria provided, single submitter. Criteria: Invitae Variant Classification Sherloc (09022015). Collection method: clinical testing. Allele origin: germline.
Comment: This sequence change replaces arginine, which is basic and polar, with tryptophan, which is neutral and slightly polar, at codon 243 of the EXT1 protein (p.Arg243Trp). This variant is not present in population databases (gnomAD no frequency). This variant has not been reported in the literature in individuals affected with EXT1-related conditions. Invitae Evidence Modeling of protein sequence and biophysical properties (such as structural, functional, and spatial information, amino acid conservation, physicochemical variation, residue mobility, and thermodynamic stability) has been performed for this missense variant. However, the output from this modeling did not meet the statistical confidence thresholds required to predict the impact of this variant on EXT1 protein function. In summary, the available evidence is currently insufficient to determine the role of this variant in disease. Therefore, it has been classified as a Variant of Uncertain Significance.

NM_000127.3(EXT1):c.727A>T (p.Arg243Trp)

Gene: EXT1 (exostosin glycosyltransferase 1; minus strand). Cytogenetic location: 8q24.11.
Variant type: single nucleotide variant.
Coding change: c.727A>T on transcript NM_000127.3 (MANE Select); coding-DNA position 727, A replaced by T.
Protein change: p.Arg243Trp; replaces arginine 243 with tryptophan.
Molecular consequence: missense variant.
Genome position (GRCh38, 1-based): chr8:118,110,320, T>A on the plus strand (A>T on the coding strand, the complement: EXT1 is on the minus strand). VCF-style: chr8-118110320-T-A. GRCh37 (hg19) VCF-style: chr8-119122559-T-A.
Other names: short protein forms R243W.
Identifiers: ClinVar variation 4802759 (VCV004802759.1).
Genomic context (GRCh38, chr8:118,110,320, plus strand): 5'-TGTACTTCCTGAGAGGAGGGATGGTGTTGAACTTCAAAAACCCCCTCTCCCCTCCTGTCC[T>A]GGGATGATCCTTAGAAAAGAGGGGAATAGAAACATCAAAGTTGGGTCGGAAGTTTTCAGT-3'
Protein context (NP_000118.2, residues 233-253): SIPLFSKDHP[Arg243Trp]TGGERGFLKF